The following is an entry in ClinVar:

ClinVar aggregate classification (germline): Uncertain significance. Review status: criteria provided, multiple submitters, no conflicts (2 of 4 stars). 2 submissions from 2 submitters: Uncertain significance (2). Last evaluated 2021-08-30.

Conditions:
Inborn genetic diseases. Identifiers: MedGen C0950123, MeSH D030342.

Allele frequency attached by ClinVar (database versions not stated): gnomAD 0.00001; gnomAD exomes 0.00001 and 0.00004; ExAC 0.00002; 1000 Genomes Project 30x 0.00016; 1000 Genomes Project 0.00020.

Submissions (2):

Labcorp Genetics (formerly Invitae), Labcorp
Classification: Uncertain significance. Last evaluated: 2021-08-30. Review status: criteria provided, single submitter. Criteria: Invitae Variant Classification Sherloc (09022015). Collection method: clinical testing. Allele origin: germline.
Comment: This sequence change replaces alanine with valine at codon 324 of the PCARE protein (p.Ala324Val). The alanine residue is highly conserved and there is a small physicochemical difference between alanine and valine. This variant is present in population databases (rs528632530, ExAC 0.01%). This variant has not been reported in the literature in individuals affected with PCARE-related conditions. Algorithms developed to predict the effect of missense changes on protein structure and function output the following: SIFT: "Tolerated"; PolyPhen-2: "Benign"; Align-GVGD: "Class C0". The valine amino acid residue is found in multiple mammalian species, which suggests that this missense change does not adversely affect protein function. In summary, the available evidence is currently insufficient to determine the role of this variant in disease. Therefore, it has been classified as a Variant of Uncertain Significance.

Ambry Genetics
Classification: Uncertain significance for Inborn genetic diseases. Last evaluated: 2021-07-06. Review status: criteria provided, single submitter. Criteria: Ambry Variant Classification Scheme 2023. Collection method: clinical testing. Allele origin: germline.

NM_001029883.3(PCARE):c.971C>T (p.Ala324Val)

Gene: PCARE (photoreceptor cilium actin regulator; minus strand). Cytogenetic location: 2p23.2.
Variant type: single nucleotide variant.
Coding change: c.971C>T on transcript NM_001029883.3 (MANE Select); coding-DNA position 971, C replaced by T.
Protein change: p.Ala324Val; replaces alanine 324 with valine.
Molecular consequence: missense variant.
Genome position (GRCh38, 1-based): chr2:29,073,291, G>A on the plus strand (C>T on the coding strand, the complement: PCARE is on the minus strand). VCF-style: chr2-29073291-G-A. GRCh37 (hg19) VCF-style: chr2-29296157-G-A.
Other names: c.971C>T (NM_001029883.1); short protein forms A324V.
Identifiers: ClinVar variation 1020078 (VCV001020078.7), dbSNP rs528632530, ClinGen allele CA1592530.
Genomic context (GRCh38, chr2:29,073,291, plus strand): 5'-GGGAGACCCTGCACCCCAGGGTCGCCACAGCCACTCGCCAGGCTCTCTAGCTGCCTCAGA[G>A]CCCTCAGGAGGCGTTCATCCACATTCCTTTTTGTGCTCAGCTTATTTTCCAAGTGGGTTG-3'
Protein context (NP_001025054.1, residues 314-334): KRNVDERLLR[Ala324Val]LRQLESLASG